The following is an entry in ClinVar:

NM_024757.5(EHMT1):c.1647A>C (p.Glu549Asp)

Gene: EHMT1 (euchromatic histone lysine methyltransferase 1; plus strand). Cytogenetic location: 9q34.3.
Variant type: single nucleotide variant.
Coding change: c.1647A>C on transcript NM_024757.5 (MANE Select); coding-DNA position 1647, A replaced by C.
Protein change: p.Glu549Asp; replaces glutamic acid 549 with aspartic acid.
Molecular consequence: missense variant.
Genome position (GRCh38, 1-based): chr9:137,762,820, A>C. VCF-style: chr9-137762820-A-C. GRCh37 (hg19) VCF-style: chr9-140657272-A-C.
Other names: c.1647A>C, p.Glu549Asp (NM_001145527.2, NM_001354611.2); c.1554A>C, p.Glu518Asp (NM_001354259.2, NM_001354612.2); c.1626A>C, p.Glu542Asp (NM_001354263.2); short protein forms E518D, E542D, E549D.
Identifiers: ClinVar variation 845758 (VCV000845758.11), dbSNP rs779709777, ClinGen allele CA5374677.
Genomic context (GRCh38, chr9:137,762,820, plus strand): 5'-TCGAGAGATCACCACACTGGCCAACAACCAGTGCATGGCTACAGAGAGCGTGGACCATGA[A>C]GTAAGCACGTTTGTTTTCATTTAAAGCAGCCACGAGGAGTGAGTGAGAAAGCCCAGCCCA-3'
Protein context (NP_079033.4, residues 539-559): QCMATESVDH[Glu549Asp]LGRCTNSVVK

ClinVar aggregate classification (germline): Conflicting classifications of pathogenicity. Review status: criteria provided, conflicting classifications (1 of 4 stars). 2 submissions from 2 submitters: Uncertain significance (1); Likely benign (1). Last evaluated 2023-02-11.

Conditions:
Kleefstra syndrome 1 (KLEFS1). Identifiers: Orphanet 261494, MedGen C0795833, MONDO:0027407, OMIM 610253.

Allele frequency attached by ClinVar (database versions not stated): gnomAD exomes 0.00001; TOPMed 0.00002; ExAC 0.00001; gnomAD 0.00001.
gnomAD v4.1: 15 of 1,614,080 alleles (0.00093%); highest among the groups gnomAD compares: Non-Finnish European, 0.0012%; no homozygotes.

Submissions (2):

Labcorp Genetics (formerly Invitae), Labcorp
Classification: Uncertain significance for Kleefstra syndrome 1. Last evaluated: 2023-02-11. Review status: criteria provided, single submitter. Criteria: Invitae Variant Classification Sherloc (09022015). Collection method: clinical testing. Allele origin: germline.
Comment: This sequence change replaces glutamic acid, which is acidic and polar, with aspartic acid, which is acidic and polar, at codon 549 of the EHMT1 protein (p.Glu549Asp). This variant is present in population databases (rs779709777, gnomAD 0.002%). This variant has not been reported in the literature in individuals affected with EHMT1-related conditions. ClinVar contains an entry for this variant (Variation ID: 845758). Algorithms developed to predict the effect of missense changes on protein structure and function are either unavailable or do not agree on the potential impact of this missense change (SIFT: "Deleterious"; PolyPhen-2: "Benign"; Align-GVGD: "Class C15"). In summary, the available evidence is currently insufficient to determine the role of this variant in disease. Therefore, it has been classified as a Variant of Uncertain Significance.

GeneDx
Classification: Likely benign. Last evaluated: 2020-12-15. Review status: criteria provided, single submitter. Criteria: GeneDx Variant Classification Process June 2021. Collection method: clinical testing. Allele origin: germline. Affected: yes.